The following is an entry in ClinVar:

NM_017668.3(NDE1):c.272G>A (p.Arg91Gln)

Gene: NDE1 (nudE neurodevelopment protein 1; plus strand). Cytogenetic location: 16p13.11.
Variant type: single nucleotide variant.
Coding change: c.272G>A on transcript NM_017668.3 (MANE Select); coding-DNA position 272, G replaced by A.
Protein change: p.Arg91Gln; replaces arginine 91 with glutamine.
Molecular consequence: missense variant.
Genome position (GRCh38, 1-based): chr16:15,677,835, G>A. VCF-style: chr16-15677835-G-A. GRCh37 (hg19) VCF-style: chr16-15771692-G-A.
Other names: c.272G>A, p.Arg91Gln (NM_001143979.2); short protein forms R91Q.
Identifiers: ClinVar variation 1500841 (VCV001500841.6), dbSNP rs372365525, ClinGen allele CA7920558.

ClinVar aggregate classification (germline): Uncertain significance (1 of 4 stars; one submission).

Allele frequency attached by ClinVar (database versions not stated): ExAC 0.00001; gnomAD 0.00001; ESP Exome Variant Server 0.00008.
gnomAD v4.1: 44 of 1,613,976 alleles (0.0027%); highest among the groups gnomAD compares: East Asian, 0.0089%; no homozygotes.

Submission:

Labcorp Genetics (formerly Invitae), Labcorp
Classification: Uncertain significance. Last evaluated: 2021-12-27. Review status: criteria provided, single submitter. Criteria: Invitae Variant Classification Sherloc (09022015). Collection method: clinical testing. Allele origin: germline.
Comment: In summary, the available evidence is currently insufficient to determine the role of this variant in disease. Therefore, it has been classified as a Variant of Uncertain Significance. Algorithms developed to predict the effect of missense changes on protein structure and function (SIFT, PolyPhen-2, Align-GVGD) all suggest that this variant is likely to be tolerated. This variant has not been reported in the literature in individuals affected with NDE1-related conditions. This variant is present in population databases (rs372365525, gnomAD 0.007%). This sequence change replaces arginine, which is basic and polar, with glutamine, which is neutral and polar, at codon 91 of the NDE1 protein (p.Arg91Gln).